The following is an entry in ClinVar:

ClinVar aggregate classification (germline): Uncertain significance. Review status: criteria provided, multiple submitters, no conflicts (2 of 4 stars). 2 submissions from 2 submitters: Uncertain significance (2). Last evaluated 2025-03-31.

Conditions:
Dyskeratosis congenita, autosomal dominant 2. Identifiers: MedGen C3151443, MONDO:0013521, OMIM 613989.
Idiopathic Pulmonary Fibrosis. Also called: Idiopathic fibrosing alveolitis, chronic form; idiopathic fibrosing alveolitis. Identifiers: Orphanet 2032, MedGen C1800706, MeSH D054990, MONDO:0800504.
Dyskeratosis congenita. Identifiers: Orphanet 1775, MedGen C0265965, MONDO:0015780.

Allele frequency attached by ClinVar (database versions not stated): gnomAD exomes below 0.00001; gnomAD 0.00001.
gnomAD v4.1: 2 of 1,577,190 alleles (0.00013%); highest among the groups gnomAD compares: African/African-American, 0.0013%; no homozygotes.

Submissions (2):

Ambry Genetics
Classification: Uncertain significance for Dyskeratosis congenita. Last evaluated: 2025-03-31. Review status: criteria provided, single submitter. Criteria: Ambry Variant Classification Scheme 2023. Collection method: clinical testing. Allele origin: germline.
Comment: The p.S121N variant (also known as c.362G>A), located in coding exon 2 of the TERT gene, results from a G to A substitution at nucleotide position 362. The serine at codon 121 is replaced by asparagine, an amino acid with highly similar properties. This amino acid position is well conserved in available vertebrate species. In addition, this alteration is predicted to be tolerated by in silico analysis. The evidence for this gene-disease relationship is limited; therefore, the clinical significance of this alteration is unclear.

Labcorp Genetics (formerly Invitae), Labcorp
Classification: Uncertain significance for Dyskeratosis congenita, autosomal dominant 2; Idiopathic Pulmonary Fibrosis. Last evaluated: 2023-09-09. Review status: criteria provided, single submitter. Criteria: Invitae Variant Classification Sherloc (09022015). Collection method: clinical testing. Allele origin: germline.
Comment: In summary, the available evidence is currently insufficient to determine the role of this variant in disease. Therefore, it has been classified as a Variant of Uncertain Significance. Algorithms developed to predict the effect of missense changes on protein structure and function output the following: SIFT: "Not Available"; PolyPhen-2: "Benign"; Align-GVGD: "Not Available". The asparagine amino acid residue is found in multiple mammalian species, which suggests that this missense change does not adversely affect protein function. ClinVar contains an entry for this variant (Variation ID: 1046771). This variant has not been reported in the literature in individuals affected with TERT-related conditions. This variant is not present in population databases (gnomAD no frequency). This sequence change replaces serine, which is neutral and polar, with asparagine, which is neutral and polar, at codon 121 of the TERT protein (p.Ser121Asn).

NM_198253.3(TERT):c.362G>A (p.Ser121Asn)

Gene: TERT (telomerase reverse transcriptase; minus strand). Cytogenetic location: 5p15.33.
Variant type: single nucleotide variant.
Coding change: c.362G>A on transcript NM_198253.3 (MANE Select); coding-DNA position 362, G replaced by A.
Protein change: p.Ser121Asn; replaces serine 121 with asparagine.
Molecular consequence: missense variant. On other transcripts: non-coding transcript variant (2).
Genome position (GRCh38, 1-based): chr5:1,294,524, C>T on the plus strand (G>A on the coding strand, the complement: TERT is on the minus strand). VCF-style: chr5-1294524-C-T. GRCh37 (hg19) VCF-style: chr5-1294639-C-T.
Other names: c.362G>A, p.Ser121Asn (NM_001193376.3); short protein forms S121N.
Identifiers: ClinVar variation 1046771 (VCV001046771.12), dbSNP rs1751257719, ClinGen allele CA359058189.